The following is an entry in ClinVar:

ClinVar aggregate classification (germline): Likely pathogenic (1 of 4 stars; one submission).

Submission:

GeneDx
Classification: Likely pathogenic. Last evaluated: 2016-02-12. Review status: criteria provided, single submitter. Criteria: GeneDx Variant Classification (06012015). Collection method: clinical testing. Allele origin: germline. Affected: yes.
Comment: The M1079T variant has not been published as a pathogenic variant, nor has it been reported as a benign variant to our knowledge. It was not observed in approximately 6,500 individuals of European and African American ancestry in the NHLBI Exome Sequencing Project, indicating it is not a common benign variant in these populations. The M1079T variant is a non-conservative amino acid substitution, which is likely to impact secondary protein structure as these residues differ in polarity, charge, size and/or other properties. This substitution occurs at a position that is conserved across species, and in silico analysis predicts this variant is probably damaging to the protein structure/function. Additionally, missense variants in nearby residues (L1070Q and Q1074E) have been reported in the Human Gene Mutation Database in association with Nicolaides-Baraitser syndrome (Stenson et al., 2014). Based on the available information, the M1079T variant is likely pathogenic.

NM_003070.5(SMARCA2):c.3236T>C (p.Met1079Thr)

Gene: SMARCA2 (SWI/SNF related, matrix associated, actin dependent regulator of chromatin, subfamily a, member 2; plus strand). Cytogenetic location: 9p24.3.
Variant type: single nucleotide variant.
Coding change: c.3236T>C on transcript NM_003070.5 (MANE Select); coding-DNA position 3236, T replaced by C.
Protein change: p.Met1079Thr; replaces methionine 1079 with threonine.
Molecular consequence: missense variant.
Genome position (GRCh38, 1-based): chr9:2,104,113, T>C. VCF-style: chr9-2104113-T-C. GRCh37 (hg19) VCF-style: chr9-2104113-T-C.
Other names: c.3236T>C, p.Met1079Thr (NM_001289396.2, NM_139045.4); c.3062T>C, p.Met1021Thr (NM_001289397.2); short protein forms M1079T, M1021T.
Identifiers: ClinVar variation 432081 (VCV000432081.2), dbSNP rs1554626829, ClinGen allele CA372787394.